The following is an entry in ClinVar:

NM_014714.4(IFT140):c.565del (p.Ser189fs)

Genes: IFT140 (intraflagellar transport 140; minus strand), LOC105371046 (uncharacterized LOC105371046; plus strand). Cytogenetic location: 16p13.3.
Variant type: Deletion.
Coding change: c.565del on transcript NM_014714.4 (MANE Select); coding-DNA position 565, one base deleted (A; older notation c.565delA).
Protein change: p.Ser189fs; shifts the reading frame from serine 189.
Molecular consequence: frameshift variant.
Genome position (GRCh38, 1-based): chr16:1,592,245, T deleted on the plus strand (A on the coding strand, the reverse complement: IFT140 is on the minus strand). VCF-style (leftmost placement, unchanged base first): chr16-1592244-CT-C. GRCh37 (hg19) VCF-style: chr16-1642245-CT-C.
Other names: short protein forms S189fs.
Identifiers: ClinVar variation 2017130 (VCV002017130.5), dbSNP rs1449774485, ClinGen allele CA718462341.

ClinVar aggregate classification (germline): Pathogenic/Likely pathogenic. Review status: criteria provided, multiple submitters, no conflicts (2 of 4 stars). 2 submissions from 2 submitters: Pathogenic (1); Likely pathogenic (1). Last evaluated 2025-06-12.

Conditions:
Retinitis pigmentosa 80 (RP80). Identifiers: MedGen C4540439, MONDO:0054708, OMIM 617781.
Saldino-Mainzer syndrome (SRTD9). Also called: CONORENAL SYNDROME; Renal dysplasia, retinal pigmentary dystrophy, cerebellar ataxia and skeletal dysplasia; SHORT-RIB THORACIC DYSPLASIA 9 WITHOUT POLYDACTYLY; short-rib thoracic dysplasia 9 with or without polydactyly. Identifiers: Orphanet 140969, MedGen C1849437, MONDO:0009964, OMIM 266920.

Allele frequency attached by ClinVar (database versions not stated): gnomAD 0.00001; TOPMed 0.00001.

Submissions (2):

Labcorp Genetics (formerly Invitae), Labcorp
Classification: Pathogenic for Saldino-Mainzer syndrome. Last evaluated: 2025-06-12. Review status: criteria provided, single submitter. Criteria: Invitae Variant Classification Sherloc (09022015). Collection method: clinical testing. Allele origin: germline.
Comment: This sequence change creates a premature translational stop signal (p.Ser189Alafs*7) in the IFT140 gene. It is expected to result in an absent or disrupted protein product. Loss-of-function variants in IFT140 are known to be pathogenic (PMID: 22503633, 23418020, 24009529, 26216056). This variant is not present in population databases (gnomAD no frequency). This variant has not been reported in the literature in individuals affected with IFT140-related conditions. ClinVar contains an entry for this variant (Variation ID: 2017130). For these reasons, this variant has been classified as Pathogenic.

Fulgent Genetics
Classification: Likely pathogenic for Saldino-Mainzer syndrome; Retinitis pigmentosa 80. Last evaluated: 2024-06-15. Review status: criteria provided, single submitter. Criteria: ACMG Guidelines, 2015. Collection method: clinical testing. Allele origin: germline.

Literature cited by the submitters: PubMed 22503633 (cited by Labcorp Genetics (formerly Invitae), Labcorp); PubMed 23418020 (cited by Labcorp Genetics (formerly Invitae), Labcorp); PubMed 24009529 (cited by Labcorp Genetics (formerly Invitae), Labcorp); PubMed 26216056 (cited by Labcorp Genetics (formerly Invitae), Labcorp).